The following is an entry in ClinVar:

NM_024757.5(EHMT1):c.1791G>A (p.Ala597=)

Gene: EHMT1 (euchromatic histone lysine methyltransferase 1; plus strand). Cytogenetic location: 9q34.3.
Variant type: single nucleotide variant.
Coding change: c.1791G>A on transcript NM_024757.5 (MANE Select); coding-DNA position 1791, G replaced by A.
Protein change: p.Ala597=; no amino-acid change (alanine 597 retained).
Molecular consequence: synonymous variant.
Genome position (GRCh38, 1-based): chr9:137,775,252, G>A. VCF-style: chr9-137775252-G-A. GRCh37 (hg19) VCF-style: chr9-140669704-G-A.
Other names: c.1791G>A, p.Ala597= (NM_001145527.2); c.1698G>A, p.Ala566= (NM_001354259.2); c.1770G>A, p.Ala590= (NM_001354263.2).
Identifiers: ClinVar variation 3236904 (VCV003236904.1).

ClinVar aggregate classification (germline): Uncertain significance (1 of 4 stars; one submission).

Conditions:
Kleefstra syndrome 1 (KLEFS1). Identifiers: Orphanet 261494, MedGen C0795833, MONDO:0027407, OMIM 610253.

gnomAD v4.1: 1 of 1,610,432 alleles (0.000062%); highest among the groups gnomAD compares: Non-Finnish European, 0.000085%; no homozygotes.

Submission:

Laboratory of Genetics, Children's Clinical University Hospital Latvia
Classification: Uncertain significance for Kleefstra syndrome 1. Review status: criteria provided, single submitter. Criteria: ACMG Guidelines, 2015. Collection method: curation. Allele origin: de novo. Affected: yes.
Comment: de novo

Literature cited by the submitters: PubMed 39013458.